The following is an entry in ClinVar:

NM_001290060.2(SEMA3B):c.546G>A (p.Gly182=)

Gene: SEMA3B (semaphorin 3B; plus strand). Cytogenetic location: 3p21.31.
Variant type: single nucleotide variant.
Coding change: c.546G>A on transcript NM_001290060.2 (MANE Select); coding-DNA position 546, G replaced by A.
Protein change: p.Gly182=; no amino-acid change (glycine 182 retained).
Molecular consequence: synonymous variant.
Genome position (GRCh38, 1-based): chr3:50,271,362, G>A. VCF-style: chr3-50271362-G-A. GRCh37 (hg19) VCF-style: chr3-50308793-G-A.
Other names: c.546G>A, p.Gly182= (NM_001005914.3, NM_001290061.1, NM_004636.4).
Identifiers: ClinVar variation 3032680 (VCV003032680.1), dbSNP rs1193221398, ClinGen allele CA907887765.

ClinVar aggregate classification (germline): Likely benign (1 of 4 stars; one submission).

Conditions:
SEMA3B-related disorder. Also called: SEMA3B-related condition.

Allele frequency attached by ClinVar (database versions not stated): TOPMed 0.00002.

Submission:

PreventionGenetics, part of Exact Sciences
Classification: Likely benign for SEMA3B-related condition. Last evaluated: 2022-06-17. Review status: criteria provided, single submitter. Criteria: ACMG Guidelines, 2015. Collection method: clinical testing. Allele origin: germline.
Comment: This variant is classified as likely benign based on ACMG/AMP sequence variant interpretation guidelines (Richards et al. 2015 PMID: 25741868, with internal and published modifications).